The following is an entry in ClinVar:

NM_000481.4(AMT):c.269_270delinsCC (p.Leu90Pro)

Gene: AMT (aminomethyltransferase; minus strand). Cytogenetic location: 3p21.31.
Variant type: Indel.
Coding change: c.269_270delinsCC on transcript NM_000481.4 (MANE Select); coding-DNA positions 269 to 270, TT replaced by CC.
Protein change: p.Leu90Pro; replaces leucine 90 with proline.
Molecular consequence: missense variant. On other transcripts: non-coding transcript variant (1).
Genome position (GRCh38, 1-based): chr3:49,421,561-49,421,562, AA replaced by GG on the plus strand (TT replaced by CC on the coding strand, the reverse complement: AMT is on the minus strand). VCF-style: chr3-49421561-AA-GG. GRCh37 (hg19) VCF-style: chr3-49458994-AA-GG.
Other names: c.269_270delinsCC, p.Leu90Pro (NM_001164710.2, NM_001164712.2); c.101_102delinsCC, p.Leu34Pro (NM_001164711.2); short protein forms L90P, L34P.
Identifiers: ClinVar variation 1510260 (VCV001510260.6), dbSNP rs2107936070, ClinGen allele CA2573137082.

ClinVar aggregate classification (germline): Uncertain significance (1 of 4 stars; one submission).

Conditions:
Glycine encephalopathy. Also called: Nonketotic hyperglycinemia; Non-ketotic hyperglycinemia. Identifiers: Orphanet 407, MedGen C0751748, MONDO:0011612, HP:0008288.

Submission:

Labcorp Genetics (formerly Invitae), Labcorp
Classification: Uncertain significance for Glycine encephalopathy. Last evaluated: 2024-02-05. Review status: criteria provided, single submitter. Criteria: Invitae Variant Classification Sherloc (09022015). Collection method: clinical testing. Allele origin: germline.
Comment: This sequence change replaces leucine with proline at codon 90 of the AMT protein (p.Leu90Pro). The leucine residue is moderately conserved and there is a moderate physicochemical difference between leucine and proline. Information on the frequency of this variant in the gnomAD database is not available, as this variant may be reported differently in the database. This variant has not been reported in the literature in individuals affected with AMT-related conditions. ClinVar contains an entry for this variant (Variation ID: 1510260). An algorithm developed to predict the effect of missense changes on protein structure and function (PolyPhen-2) suggests that this variant is likely to be tolerated. In summary, the available evidence is currently insufficient to determine the role of this variant in disease. Therefore, it has been classified as a Variant of Uncertain Significance.